The following is an entry in ClinVar:

NM_001202.6(BMP4):c.380_392del (p.Glu127fs)

Gene: BMP4 (bone morphogenetic protein 4; minus strand). Cytogenetic location: 14q22.2.
Variant type: Deletion.
Coding change: c.380_392del on transcript NM_001202.6 (MANE Select); coding-DNA positions 380 to 392, 13 bases deleted (AGAACATCCCAGG).
Protein change: p.Glu127fs; shifts the reading frame from glutamic acid 127.
Molecular consequence: frameshift variant.
Genome position (GRCh38, 1-based): chr14:53,950,867-53,950,879, CCTGGGATGTTCT deleted on the plus strand (AGAACATCCCAGG on the coding strand, the reverse complement: BMP4 is on the minus strand); deleting any 13 consecutive bases within chr14:53,950,867-53,950,881 gives the same sequence; the c. name uses the placement nearest the transcript's 3' end. VCF-style (leftmost placement, unchanged base first): chr14-53950866-CCCTGGGATGTTCT-C. GRCh37 (hg19) VCF-style: chr14-54417584-CCCTGGGATGTTCT-C.
Other names: c.521_533del, p.Glu174fs (NM_001347912.1); c.191_203del, p.Glu64fs (NM_001347913.2, NM_001347915.2, NM_001347917.1); c.380_392del, p.Glu127fs (NM_001347914.2, NM_001347916.1, NM_130850.5 and 1 more transcripts); short protein forms E174fs, E127fs, E64fs.
Identifiers: ClinVar variation 421813 (VCV000421813.2), dbSNP rs1064795374, ClinGen allele CA16619874.

ClinVar aggregate classification (germline): Uncertain significance (1 of 4 stars; one submission).

Submission:

GeneDx
Classification: Uncertain significance. Last evaluated: 2017-10-19. Review status: criteria provided, single submitter. Criteria: GeneDx Variant Classification (06012015). Collection method: clinical testing. Allele origin: germline. Affected: yes.
Comment: The c.380_392del13 variant in the BMP4 gene has not been reported previously as a pathogenic variant nor as a benign variant, to our knowledge. The c.380_392del13 variant causes a frameshift starting with codon Glutamic Acid 127, changes this amino acid to a Glycine residue, and creates a premature Stop codon at position 22 of the new reading frame, denoted p.Glu127GlyfsX22. This variant is predicted to cause loss of normal protein function through protein truncation as the last 282 amino acids of the Bmp4 protein are lost and replaced with 21 incorrect amino acids. The c.380_392del13 variant was not observed in approximately 6,300 individuals of European and African American ancestry in the NHLBI Exome Sequencing Project, indicating it is not a common benign variant in these populations. We interpret c.380_392del13 as a variant of uncertain significance.